The following is an entry in ClinVar:

ClinVar aggregate classification (germline): Likely pathogenic (1 of 4 stars; one submission).

Conditions:
Nemaline myopathy 2 (NEM2). Also called: Nemaline myopathy 2, autosomal recessive. Identifiers: MedGen C1850569, MONDO:0009725, OMIM 256030.

Submission:

Natera, Inc.
Classification: Likely pathogenic for Nemaline myopathy type 2. Last evaluated: 2025-07-24. Review status: criteria provided, single submitter. Criteria: Natera Variant Classification Schema (03/2026). Collection method: clinical testing. Allele origin: germline.
Comment: The c.13466_13467del variant in NEB is a frameshift variant predicted to shift the reading frame beginning at codon 4489 and leads to a stop codon 3 codons downstream. This variant is expected to result in nonsense mediated decay, truncation, or a dysfunctional protein product. This variant is rare in the general population with a frequency below the threshold expected for the associated phenotype(s). Given the available evidence, this variant is classified as Likely Pathogenic.

NM_001164508.2(NEB):c.13466_13467del (p.Ile4489fs)

Gene: NEB (nebulin; minus strand). Cytogenetic location: 2q23.3.
Variant type: Deletion.
Coding change: c.13466_13467del on transcript NM_001164508.2 (MANE Select); coding-DNA positions 13466 to 13467, 2 bases deleted (TT; older notation c.13466_13467delTT).
Protein change: p.Ile4489fs; shifts the reading frame from isoleucine 4489.
Molecular consequence: frameshift variant. On other transcripts: intron variant (1).
Genome position (GRCh38, 1-based): chr2:151,601,910-151,601,911, AA deleted on the plus strand (TT on the coding strand, the reverse complement: NEB is on the minus strand). VCF-style (leftmost placement, unchanged base first): chr2-151601909-CAA-C. GRCh37 (hg19) VCF-style: chr2-152458423-CAA-C.
Other names: c.13466_13467delTT, p.Ile4489Serfs (NM_001271208.1); c.13466_13467del, p.Ile4489fs (NM_001271208.2, NM_001164507.2); c.11601+7898_11601+7899del (NM_004543.5); short protein forms I4489fs.
Identifiers: ClinVar variation 4814725 (VCV004814725.1).